The following is an entry in ClinVar:

ClinVar aggregate classification (germline): Uncertain significance (1 of 4 stars; one submission).

Conditions:
Autosomal recessive ataxia, Beauce type. Also called: ATAXIA, RECESSIVE, OF BEAUCE; Spinocerebellar ataxia, autosomal recessive 8; SYNE1-Related Autosomal Recessive Cerebellar Ataxia; SYNE1 Deficiency. Identifiers: Orphanet 88644, MedGen C1853116, MONDO:0012549, OMIM 610743.
Emery-Dreifuss muscular dystrophy 4, autosomal dominant (EDMD4). Also called: EMERY-DREIFUSS MUSCULAR DYSTROPHY 4 WITH VARIABLE FEATURES. Identifiers: Orphanet 261, MedGen C2751807, MONDO:0013071, OMIM 612998.

Submission:

Labcorp Genetics (formerly Invitae), Labcorp
Classification: Uncertain significance for Emery-Dreifuss muscular dystrophy 4, autosomal dominant; Autosomal recessive ataxia, Beauce type. Last evaluated: 2022-06-13. Review status: criteria provided, single submitter. Criteria: Invitae Variant Classification Sherloc (09022015). Collection method: clinical testing. Allele origin: germline.
Comment: Algorithms developed to predict the effect of missense changes on protein structure and function output the following: SIFT: "Tolerated"; PolyPhen-2: "Benign"; Align-GVGD: "Class C0". The asparagine amino acid residue is found in multiple mammalian species, which suggests that this missense change does not adversely affect protein function. ClinVar contains an entry for this variant (Variation ID: 1004894). This variant has not been reported in the literature in individuals affected with SYNE1-related conditions. This variant is not present in population databases (gnomAD no frequency). This sequence change replaces serine, which is neutral and polar, with asparagine, which is neutral and polar, at codon 1121 of the SYNE1 protein (p.Ser1121Asn). In summary, the available evidence is currently insufficient to determine the role of this variant in disease. Therefore, it has been classified as a Variant of Uncertain Significance.

NM_182961.4(SYNE1):c.3341G>A (p.Ser1114Asn)

Gene: SYNE1 (spectrin repeat containing nuclear envelope protein 1; minus strand). Cytogenetic location: 6q25.2.
Variant type: single nucleotide variant.
Coding change: c.3341G>A on transcript NM_182961.4 (MANE Select); coding-DNA position 3341, G replaced by A.
Protein change: p.Ser1114Asn; replaces serine 1114 with asparagine.
Molecular consequence: missense variant.
Genome position (GRCh38, 1-based): chr6:152,450,679, C>T on the plus strand (G>A on the coding strand, the complement: SYNE1 is on the minus strand). VCF-style: chr6-152450679-C-T. GRCh37 (hg19) VCF-style: chr6-152771814-C-T.
Other names: c.3362G>A, p.Ser1121Asn (NM_033071.5); short protein forms S1114N, S1121N.
Identifiers: ClinVar variation 1004894 (VCV001004894.8), dbSNP rs377684975, ClinGen allele CA150237443.